The following is an entry in ClinVar:

ClinVar aggregate classification (germline): Benign (1 of 4 stars; one submission).

Conditions:
Progressive external ophthalmoplegia with mitochondrial DNA deletions, autosomal dominant 2. Also called: PROGRESSIVE EXTERNAL OPHTHALMOPLEGIA, AUTOSOMAL DOMINANT 2. Identifiers: MedGen C1836460, MONDO:0012238, OMIM 609283.

Allele frequency attached by ClinVar (database versions not stated): gnomAD 0.00054; TOPMed 0.00072; 1000 Genomes Project 30x 0.00094; 1000 Genomes Project 0.00120; gnomAD exomes 0.01064.
gnomAD v4.1: 97 of 152,404 alleles (0.064%); highest among the groups gnomAD compares: Middle Eastern, 0.67%; no homozygotes.

Submission:

Illumina Laboratory Services, Illumina
Classification: Benign for Progressive external ophthalmoplegia with mitochondrial DNA deletions, autosomal dominant 2. Last evaluated: 2018-01-13. Review status: criteria provided, single submitter. Criteria: ICSL Variant Classification Criteria 13 December 2019. Collection method: clinical testing. Allele origin: germline.
Comment: This variant was observed in the ICSL laboratory as part of a predisposition screen in an ostensibly healthy population. It had not been previously curated by ICSL or reported in the Human Gene Mutation Database (HGMD: prior to June 1st, 2018), and was therefore a candidate for classification through an automated scoring system. Utilizing variant allele frequency, disease prevalence and penetrance estimates, and inheritance mode, an automated score was calculated to assess if this variant is too frequent to cause the disease. Based on the score and internal cut-off values, a variant classified as benign is not then subjected to further curation. The score for this variant resulted in a classification of benign for this disease.

NM_001151.4(SLC25A4):c.*2466C>A

Gene: SLC25A4 (solute carrier family 25 member 4; plus strand). Cytogenetic location: 4q35.1.
Variant type: single nucleotide variant.
Coding change: c.*2466C>A on transcript NM_001151.4 (MANE Select); 2466 bases downstream of the stop codon, C replaced by A.
Molecular consequence: 3 prime UTR variant.
Genome position (GRCh38, 1-based): chr4:185,149,437, C>A. VCF-style: chr4-185149437-C-A. GRCh37 (hg19) VCF-style: chr4-186070591-C-A.
Identifiers: ClinVar variation 348274 (VCV000348274.5), dbSNP rs142255349, ClinGen allele CA10620634.